The following is an entry in ClinVar:

ClinVar aggregate classification (germline): Conflicting classifications of pathogenicity. Review status: criteria provided, conflicting classifications (1 of 4 stars). 5 submissions from 5 submitters: Uncertain significance (3); Likely benign (2). Last evaluated 2025-11-19.

Conditions:
BRCA2-related disorder. Also called: BRCA2-related condition; BRCA2-related disorders. Identifiers: MedGen CN239275.
Hereditary cancer-predisposing syndrome. Also called: Neoplastic Syndromes, Hereditary; Tumor predisposition; Hereditary Cancer Syndrome; Hereditary neoplastic syndrome. Identifiers: Orphanet 140162, MedGen C0027672, MeSH D009386, MONDO:0015356.
Hereditary breast ovarian cancer syndrome. Also called: Breast and ovarian cancer; Hereditary breast and ovarian cancer; Hereditary breast and/or ovarian cancer syndrome; BRCA1- and BRCA2-Associated Hereditary Breast and Ovarian Cancer; Hereditary breast and ovarian cancer syndrome; Hereditary breast and ovarian cancer syndrome (HBOC). Identifiers: Orphanet 145, MedGen C0677776, MeSH D061325, MONDO:0003582. Disease mechanism: loss of function.

Allele frequency attached by ClinVar (database versions not stated): gnomAD exomes below 0.00001; TOPMed below 0.00001; gnomAD 0.00001.
gnomAD v4.1: 2 of 1,606,848 alleles (0.00012%); highest among the groups gnomAD compares: Non-Finnish European, 0.00017%; no homozygotes.

Submissions (5):

Ambry Genetics
Classification: Likely benign for Hereditary cancer-predisposing syndrome. Last evaluated: 2025-11-19. Review status: criteria provided, single submitter. Criteria: Ambry Variant Classification Scheme 2023. Collection method: clinical testing. Allele origin: germline.

Labcorp Genetics (formerly Invitae), Labcorp
Classification: Uncertain significance for Hereditary breast ovarian cancer syndrome. Last evaluated: 2025-10-21. Review status: criteria provided, single submitter. Criteria: Invitae Variant Classification Sherloc (09022015). Collection method: clinical testing. Allele origin: germline.
Comment: This sequence change replaces threonine, which is neutral and polar, with alanine, which is neutral and non-polar, at codon 2097 of the BRCA2 protein (p.Thr2097Ala). This variant is not present in population databases (gnomAD no frequency). This variant has not been reported in the literature in individuals affected with BRCA2-related conditions. ClinVar contains an entry for this variant (Variation ID: 141723). Invitae Evidence Modeling of protein sequence and biophysical properties (such as structural, functional, and spatial information, amino acid conservation, physicochemical variation, residue mobility, and thermodynamic stability) indicates that this missense variant is not expected to disrupt BRCA2 protein function with a negative predictive value of 95%. In summary, the available evidence is currently insufficient to determine the role of this variant in disease. Therefore, it has been classified as a Variant of Uncertain Significance.

University of Washington Department of Laboratory Medicine, University of Washington
Classification: Likely benign for Hereditary cancer-predisposing syndrome. Last evaluated: 2023-03-23. Review status: criteria provided, single submitter. Criteria: Dines et al. (Genet Med. 2020). Collection method: curation. Allele origin: germline.
Comment: Missense variant in a coldspot region where missense variants are very unlikely to be pathogenic (PMID:31911673).

BRCA2 exon 11 coldspot. Reclassification based on statistical prior probability.

Institute for Clinical Genetics, University Hospital TU Dresden, University Hospital TU Dresden
Classification: Uncertain significance. Last evaluated: 2021-11-03. Review status: criteria provided, single submitter. Criteria: ACMG Guidelines, 2015. Collection method: clinical testing. Allele origin: germline.

Color Diagnostics, LLC DBA Color Health
Classification: Uncertain significance for Hereditary cancer-predisposing syndrome. Last evaluated: 2019-04-17. Review status: criteria provided, single submitter. Criteria: ACMG Guidelines, 2015. Collection method: clinical testing. Allele origin: germline.

NM_000059.4(BRCA2):c.6289A>G (p.Thr2097Ala)

Gene: BRCA2 (BRCA2 DNA repair associated; plus strand). Cytogenetic location: 13q13.1.
Variant type: single nucleotide variant.
Coding change: c.6289A>G on transcript NM_000059.4 (MANE Select); coding-DNA position 6289, A replaced by G.
Protein change: p.Thr2097Ala; replaces threonine 2097 with alanine.
Molecular consequence: missense variant.
Genome position (GRCh38, 1-based): chr13:32,340,644, A>G. VCF-style: chr13-32340644-A-G. GRCh37 (hg19) VCF-style: chr13-32914781-A-G.
Other names: short protein forms T2097A.
Identifiers: ClinVar variation 141723 (VCV000141723.24), dbSNP rs587781965, ClinGen allele CA023825.
Genomic context (GRCh38, chr13:32,340,644, plus strand): 5'-AAGGGAGTGTTAGAGGAATTTGATTTAATCAGAACTGAGCATAGTCTTCACTATTCACCT[A>G]CGTCTAGACAAAATGTATCAAAAATACTTCCTCGTGTTGATAAGAGAAACCCAGAGCACT-3'
Protein context (NP_000050.3, residues 2087-2107): RTEHSLHYSP[Thr2097Ala]SRQNVSKILP